The following is an entry in ClinVar:

NM_000321.3(RB1):c.2521-12T>C

Gene: RB1 (RB transcriptional corepressor 1; plus strand). Cytogenetic location: 13q14.2.
Variant type: single nucleotide variant.
Coding change: c.2521-12T>C on transcript NM_000321.3 (MANE Select); 12 bases into the intron before coding-DNA position 2521, T replaced by C.
Molecular consequence: intron variant.
Genome position (GRCh38, 1-based): chr13:48,476,689, T>C. VCF-style: chr13-48476689-T-C. GRCh37 (hg19) VCF-style: chr13-49050825-T-C.
Identifiers: ClinVar variation 1595378 (VCV001595378.9), dbSNP rs4151623, ClinGen allele CA249314487.

ClinVar aggregate classification (germline): Likely benign. Review status: criteria provided, multiple submitters, no conflicts (2 of 4 stars). 2 submissions from 2 submitters: Likely benign (2). Last evaluated 2026-06-22.

Conditions:
Retinoblastoma (RB1). Also called: RETINOBLASTOMA, SOMATIC. Identifiers: Orphanet 790, MedGen C0035335, MeSH D012175, MONDO:0008380, OMIM 180200, HP:0009919. Disease mechanism: loss of function. Inheritance: Both sporadic and heritable forms are tested..

Allele frequency attached by ClinVar (database versions not stated): gnomAD exomes 0.00001; TOPMed 0.00003; gnomAD 0.00003.
gnomAD v4.1: 21 of 1,610,184 alleles (0.0013%); highest among the groups gnomAD compares: Non-Finnish European, 0.0016%; no homozygotes.

Submissions (2):

Myriad Genetics, Inc.
Classification: Likely benign for Retinoblastoma. Last evaluated: 2026-06-22. Review status: criteria provided, single submitter. Criteria: Myriad Autosomal Dominant, Autosomal Recessive and X-Linked Classification Criteria (2023). Collection method: clinical testing. Allele origin: unknown.
Comment: This variant is considered likely benign. This variant is intronic and is not expected to impact mRNA splicing.

Labcorp Genetics (formerly Invitae), Labcorp
Classification: Likely benign for Retinoblastoma. Last evaluated: 2026-01-05. Review status: criteria provided, single submitter. Criteria: Invitae Variant Classification Sherloc (09022015). Collection method: clinical testing. Allele origin: germline.